The following is an entry in ClinVar:

NM_000744.7(CHRNA4):c.1630G>A (p.Ala544Thr)

Gene: CHRNA4 (cholinergic receptor nicotinic alpha 4 subunit; minus strand). Cytogenetic location: 20q13.33.
Variant type: single nucleotide variant.
Coding change: c.1630G>A on transcript NM_000744.7 (MANE Select); coding-DNA position 1630, G replaced by A.
Protein change: p.Ala544Thr; replaces alanine 544 with threonine.
Molecular consequence: missense variant. On other transcripts: non-coding transcript variant (1).
Genome position (GRCh38, 1-based): chr20:63,349,781, C>T on the plus strand (G>A on the coding strand, the complement: CHRNA4 is on the minus strand). VCF-style: chr20-63349781-C-T. GRCh37 (hg19) VCF-style: chr20-61981133-C-T.
Other names: c.1102G>A, p.Ala368Thr (NM_001256573.2); short protein forms A368T, A544T.
Identifiers: ClinVar variation 1301443 (VCV001301443.7), dbSNP rs540705031, ClinGen allele CA9957562.
Genomic context (GRCh38, chr20:63,349,781, plus strand): 5'-GGGCCGGCGACAGGGGCAGGTGCGGGGGCGGCGCTTTGGTGCTGCGGGTCTTGACCGTGG[C>T]GCTCGGGGACACCGAAGAGGGCTCCTTCTTGCATGTGCATTTGCACGGAGAGGGCTGGTC-3'
Protein context (NP_000735.1, residues 534-554): KKEPSSVSPS[Ala544Thr]TVKTRSTKAP

ClinVar aggregate classification (germline): Conflicting classifications of pathogenicity. Review status: criteria provided, conflicting classifications (1 of 4 stars). 2 submissions from 2 submitters: Uncertain significance (1); Likely benign (1). Last evaluated 2023-01-03.

Conditions:
Familial sleep-related hypermotor epilepsy. Also called: Autosomal Dominant Sleep-Related Hypermotor (Hyperkinetic) Epilepsy. Identifiers: Orphanet 98784, MedGen C3696898, MONDO:0000030.

Allele frequency attached by ClinVar (database versions not stated): gnomAD exomes 0.00001 and below 0.00001; ExAC 0.00001.
gnomAD v4.1: 7 of 1,609,928 alleles (0.00043%); highest among the groups gnomAD compares: Middle Eastern, 0.017%; no homozygotes.

Submissions (2):

GeneDx
Classification: Uncertain significance. Last evaluated: 2023-01-03. Review status: criteria provided, single submitter. Criteria: GeneDx Variant Classification Process June 2021. Collection method: clinical testing. Allele origin: germline. Affected: yes.
Comment: In silico analysis supports that this missense variant does not alter protein structure/function; Has not been previously published as pathogenic or benign to our knowledge

Labcorp Genetics (formerly Invitae), Labcorp
Classification: Likely benign. Last evaluated: 2022-08-23. Review status: criteria provided, single submitter. Criteria: Invitae Variant Classification Sherloc (09022015). Collection method: clinical testing. Allele origin: germline.